The following is an entry in ClinVar:

NM_014008.5(CCDC22):c.128G>C (p.Arg43Pro)

Gene: CCDC22 (CCC complex scaffolding subunit CCDC22; plus strand). Cytogenetic location: Xp11.23.
Variant type: single nucleotide variant.
Coding change: c.128G>C on transcript NM_014008.5 (MANE Select); coding-DNA position 128, G replaced by C.
Protein change: p.Arg43Pro; replaces arginine 43 with proline.
Molecular consequence: missense variant.
Genome position (GRCh38, 1-based): chrX:49,237,163, G>C. VCF-style: chrX-49237163-G-C. GRCh37 (hg19) VCF-style: chrX-49093630-G-C.
Other names: short protein forms R43P.
Identifiers: ClinVar variation 3254967 (VCV003254967.4), dbSNP rs2519160301.

ClinVar aggregate classification (germline): Uncertain significance (1 of 4 stars; one submission).

Conditions:
Ritscher-Schinzel syndrome 2. Identifiers: Orphanet 7, MedGen C4225419, MONDO:0010499, OMIM 300963.

Submission:

Victorian Clinical Genetics Services, Murdoch Childrens Research Institute
Classification: Uncertain significance for Ritscher-Schinzel syndrome 2. Last evaluated: 2025-07-17. Review status: criteria provided, single submitter. Criteria: ACMG Guidelines, 2015. Collection method: clinical testing. Allele origin: germline. Affected: yes.
Comment: This variant is classified as VUS-3A. Evidence in support of pathogenic classification: Variant is absent from gnomAD (v2, v3 and v4); Additional information: Variant is predicted to result in a missense amino acid change from arginine to proline; This variant is hemizygous; This gene is associated with X-linked recessive disease; Alternative amino acid change(s) at the same position are present in gnomAD (highest allele count: v4: 1 heterozygote(s), 0 homozygote(s), 1 hemizygote(s)); This variant has no previous evidence of pathogenicity; Segregation evidence for this variant is inconclusive. No published functional evidence has been identified for this variant; Another missense variant(s) comparable to the one identified in this case has inconclusive previous evidence for pathogenicity. p.(Arg43Cys) has been classified as a VUS by a clinical laboratory in ClinVar; Variant is located in the annotated CCDC22_N domain (DECIPHER); Missense variant with inconclusive in silico prediction and uninformative conservation; Loss of function is a likely mechanism of disease in this gene and is associated with Ritscher-Schinzel syndrome 2 (MIM#300963).